The following is an entry in ClinVar:

ClinVar aggregate classification (germline): Uncertain significance (1 of 4 stars; one submission).

Conditions:
X-linked lymphoproliferative disease due to XIAP deficiency. Also called: XIAP-Related Lymphoproliferative Disease, X-Linked; XIAP DEFICIENCY. Identifiers: Orphanet 2442, Orphanet 538934, MedGen C1845076, MONDO:0010385, OMIM 300635.

Allele frequency attached by ClinVar (database versions not stated): TOPMed 0.00003.
gnomAD v4.1: 1 of 1,204,875 alleles (0.000083%); highest among the groups gnomAD compares: East Asian, 0.003%; no homozygotes.

Submission:

Labcorp Genetics (formerly Invitae), Labcorp
Classification: Uncertain significance for X-linked lymphoproliferative disease due to XIAP deficiency. Last evaluated: 2025-08-08. Review status: criteria provided, single submitter. Criteria: Invitae Variant Classification Sherloc (09022015). Collection method: clinical testing. Allele origin: germline.
Comment: This sequence change replaces glutamic acid, which is acidic and polar, with glutamine, which is neutral and polar, at codon 282 of the XIAP protein (p.Glu282Gln). This variant is not present in population databases (gnomAD no frequency). This variant has not been reported in the literature in individuals affected with XIAP-related conditions. ClinVar contains an entry for this variant (Variation ID: 856103). Invitae Evidence Modeling of protein sequence and biophysical properties (such as structural, functional, and spatial information, amino acid conservation, physicochemical variation, residue mobility, and thermodynamic stability) indicates that this missense variant is not expected to disrupt XIAP protein function with a negative predictive value of 80%. In summary, the available evidence is currently insufficient to determine the role of this variant in disease. Therefore, it has been classified as a Variant of Uncertain Significance.

NM_001167.4(XIAP):c.844G>C (p.Glu282Gln)

Gene: XIAP (X-linked inhibitor of apoptosis; plus strand). Cytogenetic location: Xq25.
Variant type: single nucleotide variant.
Coding change: c.844G>C on transcript NM_001167.4 (MANE Select); coding-DNA position 844, G replaced by C.
Protein change: p.Glu282Gln; replaces glutamic acid 282 with glutamine.
Molecular consequence: missense variant.
Genome position (GRCh38, 1-based): chrX:123,886,506, G>C. VCF-style: chrX-123886506-G-C. GRCh37 (hg19) VCF-style: chrX-123020356-G-C.
Other names: c.844G>C, p.Glu282Gln (NM_001204401.2, NM_001378590.1, NM_001378591.1 and 1 more transcripts); short protein forms E282Q.
Identifiers: ClinVar variation 856103 (VCV000856103.9), dbSNP rs777303823, ClinGen allele CA414124864.